The following is an entry in ClinVar:

ClinVar aggregate classification (germline): Pathogenic. Review status: criteria provided, multiple submitters, no conflicts (2 of 4 stars). 2 submissions from 2 submitters: Pathogenic (2). Last evaluated 2025-04-28.

Conditions:
Deficiency of isobutyryl-CoA dehydrogenase. Also called: ACYL-CoA DEHYDROGENASE FAMILY, MEMBER 8, DEFICIENCY OF; IBD DEFICIENCY; ACAD8 DEFICIENCY. Identifiers: Orphanet 79159, MedGen C1969809, MONDO:0012648, OMIM 611283.

Allele frequency attached by ClinVar (database versions not stated): ExAC 0.00001; gnomAD 0.00001; gnomAD exomes 0.00002.
gnomAD v4.1: 36 of 1,614,052 alleles (0.0022%); highest among the groups gnomAD compares: Admixed American, 0.0083%; no homozygotes.

Submissions (2):

Labcorp Genetics (formerly Invitae), Labcorp
Classification: Pathogenic for Deficiency of isobutyryl-CoA dehydrogenase. Last evaluated: 2025-04-28. Review status: criteria provided, single submitter. Criteria: Invitae Variant Classification Sherloc (09022015). Collection method: clinical testing. Allele origin: germline.
Comment: This sequence change creates a premature translational stop signal (p.Arg296*) in the ACAD8 gene. It is expected to result in an absent or disrupted protein product. Loss-of-function variants in ACAD8 are known to be pathogenic (PMID: 16857760). This variant is present in population databases (rs759600553, gnomAD 0.01%). This variant has not been reported in the literature in individuals affected with ACAD8-related conditions. ClinVar contains an entry for this variant (Variation ID: 2716443). For these reasons, this variant has been classified as Pathogenic.

GeneDx
Classification: Pathogenic. Last evaluated: 2024-06-03. Review status: criteria provided, single submitter. Criteria: GeneDx Variant Classification Process June 2021. Collection method: clinical testing. Allele origin: germline. Affected: yes.
Comment: Nonsense variant predicted to result in protein truncation or nonsense mediated decay in a gene for which loss of function is a known mechanism of disease; Not observed at significant frequency in large population cohorts (gnomAD); Has not been previously published as pathogenic or benign to our knowledge; This variant is associated with the following publications: (PMID: 16857760)

Literature cited by the submitters: PubMed 16857760 (cited by Labcorp Genetics (formerly Invitae), Labcorp).

NM_014384.3(ACAD8):c.886C>T (p.Arg296Ter)

Gene: ACAD8 (acyl-CoA dehydrogenase family member 8; plus strand). Cytogenetic location: 11q25.
Variant type: single nucleotide variant.
Coding change: c.886C>T on transcript NM_014384.3 (MANE Select); coding-DNA position 886, C replaced by T.
Protein change: p.Arg296Ter; replaces arginine 296 with a stop codon.
Molecular consequence: nonsense.
Genome position (GRCh38, 1-based): chr11:134,261,319, C>T. VCF-style: chr11-134261319-C-T. GRCh37 (hg19) VCF-style: chr11-134131213-C-T.
Other names: short protein forms R296*.
Identifiers: ClinVar variation 2716443 (VCV002716443.4), dbSNP rs759600553, ClinGen allele CA6373124.